The following is an entry in ClinVar:

NM_001130144.3(LTBP3):c.3514G>A (p.Ala1172Thr)

Gene: LTBP3 (latent transforming growth factor beta binding protein 3; minus strand). Cytogenetic location: 11q13.1.
Variant type: single nucleotide variant.
Coding change: c.3514G>A on transcript NM_001130144.3 (MANE Select); coding-DNA position 3514, G replaced by A.
Protein change: p.Ala1172Thr; replaces alanine 1172 with threonine.
Molecular consequence: missense variant.
Genome position (GRCh38, 1-based): chr11:65,539,753, C>T on the plus strand (G>A on the coding strand, the complement: LTBP3 is on the minus strand). VCF-style: chr11-65539753-C-T. GRCh37 (hg19) VCF-style: chr11-65307224-C-T.
Other names: c.3022G>A, p.Ala1008Thr (NM_001164266.1); c.3373G>A, p.Ala1125Thr (NM_021070.4); short protein forms A1125T, A1172T, A1008T.
Identifiers: ClinVar variation 800198 (VCV000800198.13), dbSNP rs769061467, ClinGen allele CA6100270.

ClinVar aggregate classification (germline): Conflicting classifications of pathogenicity. Review status: criteria provided, conflicting classifications (1 of 4 stars). 3 submissions from 3 submitters: Uncertain significance (1); Likely benign (2). Last evaluated 2025-07-21.

Conditions:
Inborn genetic diseases. Identifiers: MedGen C0950123, MeSH D030342.
Brachyolmia-amelogenesis imperfecta syndrome. Also called: PLATYSPONDYLY WITH AMELOGENESIS IMPERFECTA; Tooth agenesis, selective, 6; Dental anomalies and short stature. Identifiers: Orphanet 2899, MedGen C1832594, MONDO:0011018, OMIM 601216. Disease mechanism: loss of function.
LTBP3-related disorder. Also called: LTBP3-related condition.

Allele frequency attached by ClinVar (database versions not stated): gnomAD 0.00001; TOPMed 0.00003; gnomAD exomes 0.00015; ExAC 0.00023.
gnomAD v4.1: 64 of 1,543,676 alleles (0.0041%); highest among the groups gnomAD compares: Non-Finnish European, 0.00035%; no homozygotes.

Submissions (3):

Labcorp Genetics (formerly Invitae), Labcorp
Classification: Likely benign for Brachyolmia-amelogenesis imperfecta syndrome. Last evaluated: 2025-07-21. Review status: criteria provided, single submitter. Criteria: Invitae Variant Classification Sherloc (09022015). Collection method: clinical testing. Allele origin: germline.

PreventionGenetics, part of Exact Sciences
Classification: Likely benign for LTBP3-related condition. Last evaluated: 2025-03-10. Review status: criteria provided, single submitter. Criteria: ACMG Guidelines, 2015. Collection method: clinical testing. Allele origin: germline.
Comment: This variant is classified as likely benign based on ACMG/AMP sequence variant interpretation guidelines (Richards et al. 2015 PMID: 25741868, with internal and published modifications).

Ambry Genetics
Classification: Uncertain significance for Inborn genetic diseases. Last evaluated: 2021-07-22. Review status: criteria provided, single submitter. Criteria: Ambry Variant Classification Scheme 2023. Collection method: clinical testing. Allele origin: germline.
Comment: The p.A1172T variant (also known as c.3514G>A), located in coding exon 25 of the LTBP3 gene, results from a G to A substitution at nucleotide position 3514. The alanine at codon 1172 is replaced by threonine, an amino acid with similar properties. This amino acid position is conserved. In addition, this alteration is predicted to be tolerated by in silico analysis. Since supporting evidence is limited at this time, the clinical significance of this alteration remains unclear.